The following is an entry in ClinVar:

NM_021102.4(SPINT2):c.331C>T (p.Pro111Ser)

Gene: SPINT2 (serine peptidase inhibitor, Kunitz type 2; plus strand). Cytogenetic location: 19q13.2.
Variant type: single nucleotide variant.
Coding change: c.331C>T on transcript NM_021102.4 (MANE Select); coding-DNA position 331, C replaced by T.
Protein change: p.Pro111Ser; replaces proline 111 with serine.
Molecular consequence: missense variant.
Genome position (GRCh38, 1-based): chr19:38,287,929, C>T. VCF-style: chr19-38287929-C-T. GRCh37 (hg19) VCF-style: chr19-38778569-C-T.
Other names: c.160C>T, p.Pro54Ser (NM_001166103.2); c.331C>T (NM_021102.3); short protein forms P111S, P54S.
Identifiers: ClinVar variation 1089072 (VCV001089072.12), dbSNP rs141683432, ClinGen allele CA9411419.

ClinVar aggregate classification (germline): Likely benign. Review status: criteria provided, multiple submitters, no conflicts (2 of 4 stars). 4 submissions from 4 submitters: Likely benign (3). 1 of the submissions does not count toward it. Last evaluated 2026-01-25.

Conditions:
SPINT2-related disorder. Also called: SPINT2-related condition.

Allele frequency attached by ClinVar (database versions not stated): 1000 Genomes Project 0.00060; 1000 Genomes Project 30x 0.00078; TOPMed 0.00132; ExAC 0.00145; gnomAD exomes 0.00160 and 0.00281; ESP Exome Variant Server 0.00177; gnomAD 0.00184 and 0.00190.

Submissions (4):

Labcorp Genetics (formerly Invitae), Labcorp
Classification: Likely benign. Last evaluated: 2026-01-25. Review status: criteria provided, single submitter. Criteria: Invitae Variant Classification Sherloc (09022015). Collection method: clinical testing. Allele origin: germline.

Blueprint Genetics
Classification: Likely benign. Last evaluated: 2024-11-25. Review status: criteria provided, single submitter. Criteria: ACMG Guidelines, 2015. Collection method: clinical testing. Allele origin: germline.

Breakthrough Genomics
Classification: Likely benign. Review status: criteria provided, single submitter. Criteria: ACMG Guidelines, 2015. Collection method: not provided. Allele origin: germline. Inheritance: Autosomal recessive inheritance. Affected: yes.

PreventionGenetics, part of Exact Sciences
Classification: Likely benign for SPINT2-related condition. Last evaluated: 2024-07-12. Review status: no assertion criteria provided. Collection method: clinical testing. Allele origin: germline. Not counted in ClinVar's aggregate classification.
Comment: This variant is classified as likely benign based on ACMG/AMP sequence variant interpretation guidelines (Richards et al. 2015 PMID: 25741868, with internal and published modifications).